The following is an entry in ClinVar:

ClinVar aggregate classification (germline): Uncertain significance (1 of 4 stars; one submission).

Conditions:
Hereditary cancer-predisposing syndrome. Also called: Neoplastic Syndromes, Hereditary; Tumor predisposition; Hereditary Cancer Syndrome; Hereditary neoplastic syndrome. Identifiers: Orphanet 140162, MedGen C0027672, MeSH D009386, MONDO:0015356.

Submission:

Color Diagnostics, LLC DBA Color Health
Classification: Uncertain significance for Hereditary cancer-predisposing syndrome. Last evaluated: 2024-01-14. Review status: criteria provided, single submitter. Criteria: ACMG Guidelines, 2015. Collection method: clinical testing. Allele origin: germline.
Comment: This missense variant replaces cysteine with arginine at codon 332 of the BRIP1 protein. Computational prediction suggests that this variant may not impact protein structure and function (internally defined REVEL score threshold <= 0.5, PMID: 27666373). To our knowledge, functional studies have not been reported for this variant. This variant has not been reported in individuals affected with BRIP1-related disorders in the literature. This variant has not been identified in the general population by the Genome Aggregation Database (gnomAD). The available evidence is insufficient to determine the role of this variant in disease conclusively. Therefore, this variant is classified as a Variant of Uncertain Significance.

NM_032043.3(BRIP1):c.994T>C (p.Cys332Arg)

Gene: BRIP1 (BRCA1 interacting DNA helicase 1; minus strand). Cytogenetic location: 17q23.2.
Variant type: single nucleotide variant.
Coding change: c.994T>C on transcript NM_032043.3 (MANE Select); coding-DNA position 994, T replaced by C.
Protein change: p.Cys332Arg; replaces cysteine 332 with arginine.
Molecular consequence: missense variant.
Genome position (GRCh38, 1-based): chr17:61,801,399, A>G on the plus strand (T>C on the coding strand, the complement: BRIP1 is on the minus strand). VCF-style: chr17-61801399-A-G. GRCh37 (hg19) VCF-style: chr17-59878760-A-G.
Other names: short protein forms C332R.
Identifiers: ClinVar variation 3894434 (VCV003894434.1).